The following is an entry in ClinVar:

ClinVar aggregate classification (germline): Uncertain significance (1 of 4 stars; one submission).

Conditions:
Optic atrophy 3 (OPA3). Also called: OPTIC ATROPHY 3, AUTOSOMAL DOMINANT; Optic atrophy, cataract, and neurologic disorder; Optic atrophy 3 with cataract. Identifiers: Orphanet 67036, MedGen C1833809, MONDO:0008133, OMIM 165300.
3-Methylglutaconic aciduria type 3 (MGCA3). Also called: OPA3, AUTOSOMAL RECESSIVE; OPTIC ATROPHY 3, AUTOSOMAL RECESSIVE; OPA3-Related 3-Methylglutaconic Aciduria; Costeff Syndrome. Identifiers: Orphanet 67047, MedGen C0574084, MONDO:0009787, OMIM 258501.

Submission:

Labcorp Genetics (formerly Invitae), Labcorp
Classification: Uncertain significance for 3-Methylglutaconic aciduria type 3; Optic atrophy 3. Last evaluated: 2022-08-24. Review status: criteria provided, single submitter. Criteria: Invitae Variant Classification Sherloc (09022015). Collection method: clinical testing. Allele origin: germline.
Comment: This sequence change replaces proline, which is neutral and non-polar, with leucine, which is neutral and non-polar, at codon 145 of the OPA3 protein (p.Pro145Leu). This variant is not present in population databases (gnomAD no frequency). This variant has not been reported in the literature in individuals affected with OPA3-related conditions. Algorithms developed to predict the effect of missense changes on protein structure and function (SIFT, PolyPhen-2, Align-GVGD) all suggest that this variant is likely to be tolerated. In summary, the available evidence is currently insufficient to determine the role of this variant in disease. Therefore, it has been classified as a Variant of Uncertain Significance.

NM_025136.4(OPA3):c.434C>T (p.Pro145Leu)

Genes: OPA3 (outer mitochondrial membrane lipid metabolism regulator OPA3; minus strand), OPA3-RTN2 (OPA3-RTN2 readthrough; minus strand). Cytogenetic location: 19q13.32.
Variant type: single nucleotide variant.
Coding change: c.434C>T on transcript NM_025136.4 (MANE Select); coding-DNA position 434, C replaced by T.
Protein change: p.Pro145Leu; replaces proline 145 with leucine.
Molecular consequence: missense variant. On other transcripts: intron variant (1).
Genome position (GRCh38, 1-based): chr19:45,553,620, G>A on the plus strand (C>T on the coding strand, the complement: OPA3 is on the minus strand). VCF-style: chr19-45553620-G-A. GRCh37 (hg19) VCF-style: chr19-46056878-G-A.
Other names: c.143-24164C>T (NM_001017989.3); short protein forms P145L.
Identifiers: ClinVar variation 2134711 (VCV002134711.1), dbSNP rs2513823461, ClinGen allele CA406370002.
Genomic context (GRCh38, chr19:45,553,620, plus strand): 5'-TTGCAGAGCTGGGCGCGCACCTCTTGCAGCTCTGTGCGCAGTTCCTCCAGGGCGCCCTGT[G>A]GCGGCGCCGCCTGCACCTGCGCCTGCAGCGCTTCCAGCGCCAGCGCCAGGTGGCCCACCT-3'
Protein context (NP_079412.1, residues 135-155): ALQAQVQAAP[Pro145Leu]QGALEELRTE